The following is an entry in ClinVar:

ClinVar aggregate classification (germline): Uncertain significance (1 of 4 stars; one submission).

Submission:

Labcorp Genetics (formerly Invitae), Labcorp
Classification: Uncertain significance. Last evaluated: 2022-04-14. Review status: criteria provided, single submitter. Criteria: Invitae Variant Classification Sherloc (09022015). Collection method: clinical testing. Allele origin: germline.
Comment: This sequence change replaces valine, which is neutral and non-polar, with alanine, which is neutral and non-polar, at codon 188 of the MLC1 protein (p.Val188Ala). This variant is not present in population databases (gnomAD no frequency). In summary, the available evidence is currently insufficient to determine the role of this variant in disease. Therefore, it has been classified as a Variant of Uncertain Significance. Algorithms developed to predict the effect of missense changes on protein structure and function (SIFT, PolyPhen-2, Align-GVGD) all suggest that this variant is likely to be tolerated. This variant has not been reported in the literature in individuals affected with MLC1-related conditions.

NM_015166.4(MLC1):c.563T>C (p.Val188Ala)

Gene: MLC1 (modulator of VRAC current 1; minus strand). Cytogenetic location: 22q13.33.
Variant type: single nucleotide variant.
Coding change: c.563T>C on transcript NM_015166.4 (MANE Select); coding-DNA position 563, T replaced by C.
Protein change: p.Val188Ala; replaces valine 188 with alanine.
Molecular consequence: missense variant. On other transcripts: non-coding transcript variant (3).
Genome position (GRCh38, 1-based): chr22:50,076,875, A>G on the plus strand (T>C on the coding strand, the complement: MLC1 is on the minus strand). VCF-style: chr22-50076875-A-G. GRCh37 (hg19) VCF-style: chr22-50515304-A-G.
Other names: c.563T>C, p.Val188Ala (NM_001376472.1, NM_001376473.1, NM_001376474.1 and 6 more transcripts); c.473T>C, p.Val158Ala (NM_001376480.1); c.461T>C, p.Val154Ala (NM_001376481.1); c.407T>C, p.Val136Ala (NM_001376482.1, NM_001376483.1); c.326T>C, p.Val109Ala (NM_001376484.1); short protein forms V109A, V136A, V188A, V154A, V158A.
Identifiers: ClinVar variation 2124453 (VCV002124453.4), dbSNP rs2518312997, ClinGen allele CA412109495.